The following is an entry in ClinVar:

NM_005419.4(STAT2):c.1209+1del

Gene: STAT2 (signal transducer and activator of transcription 2; minus strand). Cytogenetic location: 12q13.3.
Variant type: Deletion.
Coding change: c.1209+1del on transcript NM_005419.4 (MANE Select); the canonical splice donor site of the intron after coding-DNA position 1209, one base deleted (G; older notation c.1209+1delG).
Molecular consequence: splice donor variant.
Genome position (GRCh38, 1-based): chr12:56,350,096, C deleted on the plus strand (G on the coding strand, the reverse complement: STAT2 is on the minus strand); the first of 2 consecutive C bases (chr12:56,350,096-56,350,097); deleting either gives the same sequence. VCF-style (leftmost placement, unchanged base first): chr12-56350095-AC-A. GRCh37 (hg19) VCF-style: chr12-56743879-AC-A.
Other names: c.1176+1del (NM_001385110.1); c.1197+1del (NM_001385115.1, NM_198332.2); c.1188+1del (NM_001385114.1); c.1209+1del (NM_001385111.1, NM_001385113.1).
Identifiers: ClinVar variation 663294 (VCV000663294.12), dbSNP rs1592475699, ClinGen allele CA915946992.

ClinVar aggregate classification (germline): Pathogenic/Likely pathogenic. Review status: criteria provided, multiple submitters, no conflicts (2 of 4 stars). 2 submissions from 2 submitters: Pathogenic (1); Likely pathogenic (1). Last evaluated 2020-02-28.

Conditions:
STAT2-related disorder. Also called: STAT2-related condition.
Primary immunodeficiency with post-measles-mumps-rubella vaccine viral infection. Also called: Immunodeficiency 44. Identifiers: Orphanet 431166, MedGen C4225260, MONDO:0014715, OMIM 616636.

Submissions (2):

Labcorp Genetics (formerly Invitae), Labcorp
Classification: Pathogenic for Primary immunodeficiency with post-measles-mumps-rubella vaccine viral infection. Last evaluated: 2020-02-28. Review status: criteria provided, single submitter. Criteria: Invitae Variant Classification Sherloc (09022015). Collection method: clinical testing. Allele origin: germline.
Comment: This variant has been observed in individual(s) with clinical features of STAT2 deficiency (Invitae). ClinVar contains an entry for this variant (Variation ID: 663294). This sequence change affects a donor splice site in intron 13 of the STAT2 gene. It is expected to disrupt RNA splicing and likely results in an absent or disrupted protein product. This variant is not present in population databases (ExAC no frequency). Experimental studies have shown that this variant disrupts mRNA splicing (Dr. Maciag, external communication). Donor and acceptor splice site variants typically lead to a loss of protein function (PMID: 16199547), and loss-of-function variants in STAT2 are known to be pathogenic (PMID: 23391734, 26122121). For these reasons, this variant has been classified as Pathogenic.

Blueprint Genetics
Classification: Likely pathogenic for STAT2-related disorders. Last evaluated: 2019-12-27. Review status: criteria provided, single submitter. Criteria: ACMG Guidelines, 2015. Collection method: clinical testing. Allele origin: germline. Affected: yes. Observed: 1 variant allele.

Literature cited by the submitters: PubMed 16199547 (cited by Labcorp Genetics (formerly Invitae), Labcorp); PubMed 23391734 (cited by Labcorp Genetics (formerly Invitae), Labcorp); PubMed 26122121 (cited by Labcorp Genetics (formerly Invitae), Labcorp).